The following is an entry in ClinVar:

ClinVar aggregate classification (germline): Pathogenic (1 of 4 stars; one submission).

Conditions:
Autosomal recessive polycystic kidney disease (ARPKD). Also called: AR polycystic kidney disease. Identifiers: Orphanet 731, Orphanet 8378, MedGen C0085548, MeSH D017044, MONDO:0009889.

Submission:

Labcorp Genetics (formerly Invitae), Labcorp
Classification: Pathogenic for Autosomal recessive polycystic kidney disease. Last evaluated: 2023-05-30. Review status: criteria provided, single submitter. Criteria: Invitae Variant Classification Sherloc (09022015). Collection method: clinical testing. Allele origin: germline.
Comment: For these reasons, this variant has been classified as Pathogenic. This variant has not been reported in the literature in individuals affected with PKHD1-related conditions. This variant is not present in population databases (gnomAD no frequency). This sequence change creates a premature translational stop signal (p.Gly1320*) in the PKHD1 gene. It is expected to result in an absent or disrupted protein product. Loss-of-function variants in PKHD1 are known to be pathogenic (PMID: 19940839).

Literature cited by the submitters: PubMed 19940839.

NM_138694.4(PKHD1):c.3958G>T (p.Gly1320Ter)

Gene: PKHD1 (PKHD1 ciliary IPT domain containing fibrocystin/polyductin; minus strand). Cytogenetic location: 6p12.2.
Variant type: single nucleotide variant.
Coding change: c.3958G>T on transcript NM_138694.4 (MANE Select); coding-DNA position 3958, G replaced by T.
Protein change: p.Gly1320Ter; replaces glycine 1320 with a stop codon.
Molecular consequence: nonsense.
Genome position (GRCh38, 1-based): chr6:52,025,852, C>A on the plus strand (G>T on the coding strand, the complement: PKHD1 is on the minus strand). VCF-style: chr6-52025852-C-A. GRCh37 (hg19) VCF-style: chr6-51890650-C-A.
Other names: c.3958G>T, p.Gly1320Ter (NM_170724.3); short protein forms G1320*.
Identifiers: ClinVar variation 2750287 (VCV002750287.3), dbSNP rs2532729988, ClinGen allele CA364436737.